The following is an entry in ClinVar:

NM_001374736.1(DST):c.2324T>C (p.Val775Ala)

Gene: DST (dystonin; minus strand). Cytogenetic location: 6p12.1.
Variant type: single nucleotide variant.
Coding change: c.2324T>C on transcript NM_001374736.1 (MANE Select); coding-DNA position 2324, T replaced by C.
Protein change: p.Val775Ala; replaces valine 775 with alanine.
Molecular consequence: missense variant.
Genome position (GRCh38, 1-based): chr6:56,640,309, A>G on the plus strand (T>C on the coding strand, the complement: DST is on the minus strand). VCF-style: chr6-56640309-A-G. GRCh37 (hg19) VCF-style: chr6-56505107-A-G.
Other names: c.2225T>C, p.Val742Ala (NM_001144769.5); c.1811T>C, p.Val604Ala (NM_001144770.2); c.2324T>C, p.Val775Ala (NM_001374722.1); c.1691T>C, p.Val564Ala (NM_001374729.1, NM_001374730.1, NM_001386100.1 and 1 more transcripts); c.2351T>C, p.Val784Ala (NM_001374734.1); c.713T>C, p.Val238Ala (NM_001723.7, NM_015548.5); short protein forms V784A, V564A, V604A, V238A, V742A, V775A.
Identifiers: ClinVar variation 1787989 (VCV001787989.2), dbSNP rs2537168289, ClinGen allele CA364578581.

ClinVar aggregate classification (germline): Uncertain significance (1 of 4 stars; one submission).

Conditions:
Inborn genetic diseases. Identifiers: MedGen C0950123, MeSH D030342.

Submission:

Ambry Genetics
Classification: Uncertain significance for Inborn genetic diseases. Last evaluated: 2022-03-04. Review status: criteria provided, single submitter. Criteria: Ambry Variant Classification Scheme 2023. Collection method: clinical testing. Allele origin: germline.
Comment: The p.V742A variant (also known as c.2225T>C), located in coding exon 17 of the DST gene, results from a T to C substitution at nucleotide position 2225. The valine at codon 742 is replaced by alanine, an amino acid with similar properties. This amino acid position is poorly conserved in available vertebrate species. In addition, this alteration is predicted to be tolerated by in silico analysis. Since supporting evidence is limited at this time, the clinical significance of this alteration remains unclear.